The following is an entry in ClinVar:

ClinVar aggregate classification (germline): Uncertain significance (1 of 4 stars; one submission).

Conditions:
Cardiovascular phenotype. Identifiers: MedGen CN230736.

Allele frequency attached by ClinVar (database versions not stated): gnomAD exomes 0.00001; ExAC 0.00003.

Submission:

Ambry Genetics
Classification: Uncertain significance for Cardiovascular phenotype. Last evaluated: 2023-12-01. Review status: criteria provided, single submitter. Criteria: Ambry Variant Classification Scheme 2023. Collection method: clinical testing. Allele origin: germline.
Comment: The p.S140N variant (also known as c.419G>A), located in coding exon 4 of the ABCG5 gene, results from a G to A substitution at nucleotide position 419. The serine at codon 140 is replaced by asparagine, an amino acid with highly similar properties. This amino acid position is conserved. In addition, the in silico prediction for this alteration is inconclusive. Since supporting evidence is limited at this time, the clinical significance of this alteration remains unclear.

NM_022436.3(ABCG5):c.419G>A (p.Ser140Asn)

Gene: ABCG5 (ATP binding cassette subfamily G member 5; minus strand). Cytogenetic location: 2p21.
Variant type: single nucleotide variant.
Coding change: c.419G>A on transcript NM_022436.3 (MANE Select); coding-DNA position 419, G replaced by A.
Protein change: p.Ser140Asn; replaces serine 140 with asparagine.
Molecular consequence: missense variant.
Genome position (GRCh38, 1-based): chr2:43,831,851, C>T on the plus strand (G>A on the coding strand, the complement: ABCG5 is on the minus strand). VCF-style: chr2-43831851-C-T. GRCh37 (hg19) VCF-style: chr2-44058990-C-T.
Other names: short protein forms S140N.
Identifiers: ClinVar variation 3227762 (VCV003227762.1), dbSNP rs771225701, ClinGen allele CA1636679.
Genomic context (GRCh38, chr2:43,831,851, plus strand): 5'-TTGCCGCGGCGGATGGCCAGCAGCGCGGTGTAGTGCAGCGTCTCGCGCACGGTGAGGCTG[C>T]TCAGCAGGGTGTCGCTCTGCAGGAGACTCGGGCGTCAGTGTAGCCTAAGCCCCCGGGGCG-3'
Protein context (NP_071881.1, residues 130-150): SYVLQSDTLL[Ser140Asn]SLTVRETLHY